The following is an entry in ClinVar:

ClinVar aggregate classification (germline): Pathogenic (1 of 4 stars; one submission).

Allele frequency attached by ClinVar (database versions not stated): TOPMed below 0.00001.

Submission:

Labcorp Genetics (formerly Invitae), Labcorp
Classification: Pathogenic. Last evaluated: 2023-07-28. Review status: criteria provided, single submitter. Criteria: Invitae Variant Classification Sherloc (09022015). Collection method: clinical testing. Allele origin: germline.
Comment: For these reasons, this variant has been classified as Pathogenic. This variant disrupts a region of the SCO2 protein in which other variant(s) (p.Gln53*) have been determined to be pathogenic (PMID: 10545952, 15210538, 19879173). This suggests that this is a clinically significant region of the protein, and that variants that disrupt it are likely to be disease-causing. This premature translational stop signal has been observed in individual(s) with cardioencephalomyopathy (PMID: 18924171). In at least one individual the data is consistent with being in trans (on the opposite chromosome) from a pathogenic variant. It has also been observed to segregate with disease in related individuals. This variant is not present in population databases (gnomAD no frequency). This sequence change creates a premature translational stop signal (p.Trp36*) in the SCO2 gene. While this is not anticipated to result in nonsense mediated decay, it is expected to disrupt the last 231 amino acid(s) of the SCO2 protein.

Literature cited by the submitters: PubMed 10545952; PubMed 15210538; PubMed 19879173; PubMed 18924171.

NM_005138.3(SCO2):c.108G>A (p.Trp36Ter)

Genes: NCAPH2 (non-SMC condensin II complex subunit H2; plus strand), SCO2 (synthesis of cytochrome C oxidase 2; minus strand). Cytogenetic location: 22q13.33.
Variant type: single nucleotide variant.
Coding change: c.108G>A on transcript NM_005138.3 (MANE Select); coding-DNA position 108, G replaced by A.
Protein change: p.Trp36Ter; replaces tryptophan 36 with a stop codon.
Molecular consequence: nonsense. On other transcripts: 3 prime UTR variant (2).
Genome position (GRCh38, 1-based): chr22:50,524,304, C>T on the plus strand (G>A on the coding strand, the complement: SCO2 is on the minus strand). VCF-style: chr22-50524304-C-T. GRCh37 (hg19) VCF-style: chr22-50962733-C-T.
Other names: c.*929C>T (NM_001185011.2, NM_152299.4); c.108G>A, p.Trp36Ter (NM_001169109.2, NM_001169110.1, NM_001169111.2); short protein forms W36*.
Identifiers: ClinVar variation 2798083 (VCV002798083.3), dbSNP rs2069230138, ClinGen allele CA412194229.